The following is an entry in ClinVar:

NM_138420.4(AHNAK2):c.6491G>T (p.Gly2164Val)

Gene: AHNAK2 (AHNAK nucleoprotein 2; minus strand). Cytogenetic location: 14q32.33.
Variant type: single nucleotide variant.
Coding change: c.6491G>T on transcript NM_138420.4 (MANE Select); coding-DNA position 6491, G replaced by T.
Protein change: p.Gly2164Val; replaces glycine 2164 with valine.
Molecular consequence: missense variant.
Genome position (GRCh38, 1-based): chr14:104,948,960, C>A on the plus strand (G>T on the coding strand, the complement: AHNAK2 is on the minus strand). VCF-style: chr14-104948960-C-A. GRCh37 (hg19) VCF-style: chr14-105415297-C-A.
Other names: c.6191G>T, p.Gly2064Val (NM_001350929.2); short protein forms G2064V, G2164V.
Identifiers: ClinVar variation 4872839 (VCV004872839.2).
Genomic context (GRCh38, chr14:104,948,960, plus strand): 5'-TCCACCTTGGGTGGAGACACATCCACCGAGGCCTCGATGGACTTGCCTGGGGCAGACACC[C>A]CAAACGACGGCATCTTGAACTTGGGCATTTTGAACTTGCTGTCTTTGGTAGTCAGGTCCT-3'
Protein context (NP_612429.2, residues 2154-2174): KMPKFKMPSF[Gly2164Val]VSAPGKSIEA

ClinVar aggregate classification (germline): Likely benign (1 of 4 stars; one submission).

Submission:

CeGaT Center for Human Genetics Tuebingen
Classification: Likely benign. Last evaluated: 2026-04-01. Review status: criteria provided, single submitter. Criteria: CeGaT Center For Human Genetics Tuebingen Variant Classification Criteria Version 2. Collection method: clinical testing. Allele origin: germline. Affected: yes. Observed: 1 variant allele.
Comment: AHNAK2: BP4